The following is an entry in ClinVar:

ClinVar aggregate classification (germline): Pathogenic (1 of 4 stars; one submission).

Conditions:
Autosomal recessive nonsyndromic hearing loss 12. Also called: DEAFNESS, AUTOSOMAL RECESSIVE 12. Identifiers: Orphanet 90636, MedGen C1832394, MONDO:0011067, OMIM 601386.

Submission:

Institute of Rare Diseases, West China Hospital, Sichuan University
Classification: Pathogenic for Autosomal recessive nonsyndromic hearing loss 12. Last evaluated: 2025-01-09. Review status: criteria provided, single submitter. Criteria: ClinGen HL ACMG Specifications v1. Collection method: research. Allele origin: germline. Affected: yes.
Comment: PVS1;PM3;PM2_Supporting

NM_022124.6(CDH23):c.6420del (p.Ser2139_Tyr2140insTer)

Gene: CDH23 (cadherin related 23; plus strand). Cytogenetic location: 10q22.1.
Variant type: Deletion.
Coding change: c.6420del on transcript NM_022124.6 (MANE Select); coding-DNA position 6420, one base deleted (C; older notation c.6420delC).
Protein change: p.Ser2139_Tyr2140insTer.
Molecular consequence: nonsense.
Genome position (GRCh38, 1-based): chr10:71,793,348, C deleted. VCF-style (leftmost placement, unchanged base first): chr10-71793347-AC-A. GRCh37 (hg19) VCF-style: chr10-73553104-AC-A.
Identifiers: ClinVar variation 3601501 (VCV003601501.1).